The following is an entry in ClinVar:

NM_033486.3(CDK11B):c.511_518del (p.Leu171fs)

Gene: CDK11B (cyclin dependent kinase 11B; minus strand). Cytogenetic location: 1p36.33.
Variant type: Deletion.
Coding change: c.511_518del on transcript NM_033486.3 (MANE Select); coding-DNA positions 511 to 518, 8 bases deleted (TTAGAAAG; older notation c.511_518delTTAGAAAG).
Protein change: p.Leu171fs; shifts the reading frame from leucine 171.
Molecular consequence: frameshift variant. On other transcripts: intron variant (2).
Genome position (GRCh38, 1-based): chr1:1,645,239-1,645,246, CTTTCTAA deleted on the plus strand (TTAGAAAG on the coding strand, the reverse complement: CDK11B is on the minus strand); deleting any 8 consecutive bases within chr1:1,645,239-1,645,248 gives the same sequence; the c. name uses the placement nearest the transcript's 3' end. VCF-style (leftmost placement, unchanged base first): chr1-1645238-CCTTTCTAA-C. GRCh37 (hg19) VCF-style: chr1-1580599-CCTTTCTAA-C.
Other names: NM_033490.3:c.-20-2738_-20-2731del; c.481_488del, p.Leu161fs (NM_001291345.2); c.511_518del, p.Leu171fs (NM_001787.3); c.409_416del, p.Leu137fs (NM_033489.3); c.-14-3245_-14-3238del (NM_033487.3); c.-20-2738_-20-2731del (NM_033490.3); short protein forms L137fs, L161fs, L171fs.
Identifiers: ClinVar variation 3383291 (VCV003383291.1).

ClinVar aggregate classification (germline): Uncertain significance (1 of 4 stars; one submission).

Conditions:
Brachymorphism-onychodysplasia-dysphalangism syndrome. Identifiers: Orphanet 1292, MedGen C1862082, MONDO:0007230, OMIM 113477.

Submission:

Broad Center for Mendelian Genomics, Broad Institute of MIT and Harvard
Classification: Uncertain significance for Brachymorphism-onychodysplasia-dysphalangism syndrome. Last evaluated: 2024-11-25. Review status: criteria provided, single submitter. Criteria: ACMG Guidelines, 2015. Collection method: curation. Allele origin: germline. Inheritance: Autosomal recessive inheritance. Study: GREGoR Consortium.
Comment: The heterozygous p.Leu171GlufsTer118 variant in CDK11B was identified by our study, in the compound heterozygous state, in 2 siblings with Brachymorphism-onychodysplasia-dysphalangism syndrome. While this gene is still lacking sufficient evidence to establish a gene-disease relationship, we believe this is a possible novel gene candidate for Brachymorphism-onychodysplasia-dysphalangism syndrome. Given the limited information about this gene-disease relationship, the significance of the p.Leu171GlufsTer118 variant is uncertain. If you have any additional information about functional evidence or other individuals with this phenotype that also have variants in CDK11B we encourage you to reach out to us.